The following is an entry in ClinVar:

ClinVar aggregate classification (germline): Pathogenic (1 of 4 stars; one submission).

Conditions:
Hypokalemic periodic paralysis, type 1. Also called: HypoPP; Hypokalemic Periodic Paralysis Type 1 (AD). Identifiers: Orphanet 681, MedGen C3714580, MONDO:0042979, OMIM 170400.
Malignant hyperthermia, susceptibility to, 5 (MHS5). Also called: CACNA1S-Related Malignant Hyperthermia Susceptibility. Identifiers: Orphanet 423, MedGen C1866077, MONDO:0011163, OMIM 601887.

Submission:

Labcorp Genetics (formerly Invitae), Labcorp
Classification: Pathogenic for Hypokalemic periodic paralysis, type 1; Malignant hyperthermia, susceptibility to, 5. Last evaluated: 2023-01-22. Review status: criteria provided, single submitter. Criteria: Invitae Variant Classification Sherloc (09022015). Collection method: clinical testing. Allele origin: germline.
Comment: This variant is not present in population databases (gnomAD no frequency). This sequence change creates a premature translational stop signal (p.Trp265*) in the CACNA1S gene. It is expected to result in an absent or disrupted protein product. Loss-of-function variants in CACNA1S are known to be pathogenic (PMID: 26247046, 28012042). This variant has not been reported in the literature in individuals affected with CACNA1S-related conditions. For these reasons, this variant has been classified as Pathogenic.

Literature cited by the submitters: PubMed 26247046; PubMed 28012042.

NM_000069.3(CACNA1S):c.794G>A (p.Trp265Ter)

Gene: CACNA1S (calcium voltage-gated channel subunit alpha1 S; minus strand). Cytogenetic location: 1q32.1.
Variant type: single nucleotide variant.
Coding change: c.794G>A on transcript NM_000069.3 (MANE Select); coding-DNA position 794, G replaced by A.
Protein change: p.Trp265Ter; replaces tryptophan 265 with a stop codon.
Molecular consequence: nonsense.
Genome position (GRCh38, 1-based): chr1:201,089,364, C>T on the plus strand (G>A on the coding strand, the complement: CACNA1S is on the minus strand). VCF-style: chr1-201089364-C-T. GRCh37 (hg19) VCF-style: chr1-201058492-C-T.
Other names: short protein forms W265*.
Identifiers: ClinVar variation 1993906 (VCV001993906.4), dbSNP rs2464614456, ClinGen allele CA344135898.